The following is an entry in ClinVar:

ClinVar aggregate classification (germline): Uncertain significance. Review status: criteria provided, multiple submitters, no conflicts (2 of 4 stars). 4 submissions from 4 submitters: Uncertain significance (4). Last evaluated 2025-08-20.

Conditions:
Inborn genetic diseases. Identifiers: MedGen C0950123, MeSH D030342.

Allele frequency attached by ClinVar (database versions not stated): TOPMed 0.00008; 1000 Genomes Project 30x 0.00031; 1000 Genomes Project 0.00040.

Submissions (4):

Ambry Genetics
Classification: Uncertain significance for Inborn genetic diseases. Last evaluated: 2025-08-20. Review status: criteria provided, single submitter. Criteria: Ambry Variant Classification Scheme 2023. Collection method: clinical testing. Allele origin: germline.

Labcorp Genetics (formerly Invitae), Labcorp
Classification: Uncertain significance. Last evaluated: 2022-07-05. Review status: criteria provided, single submitter. Criteria: Invitae Variant Classification Sherloc (09022015). Collection method: clinical testing. Allele origin: germline.
Comment: In summary, the available evidence is currently insufficient to determine the role of this variant in disease. Therefore, it has been classified as a Variant of Uncertain Significance. Algorithms developed to predict the effect of missense changes on protein structure and function are either unavailable or do not agree on the potential impact of this missense change (SIFT: "Deleterious"; PolyPhen-2: "Probably Damaging"; Align-GVGD: "Class C0"). ClinVar contains an entry for this variant (Variation ID: 287571). This variant has not been reported in the literature in individuals affected with GRM6-related conditions. This variant is present in population databases (rs138188422, gnomAD 0.05%). This sequence change replaces aspartic acid, which is acidic and polar, with glutamic acid, which is acidic and polar, at codon 551 of the GRM6 protein (p.Asp551Glu).

Blueprint Genetics
Classification: Uncertain significance. Last evaluated: 2022-03-18. Review status: criteria provided, single submitter. Criteria: ACMG Guidelines, 2015. Collection method: clinical testing. Allele origin: germline.

Eurofins Ntd Llc (ga)
Classification: Uncertain significance. Last evaluated: 2016-05-23. Review status: criteria provided, single submitter. Criteria: EGL Classification Definitions 2015. Collection method: clinical testing. Allele origin: germline. Observed: 1 variant allele, 1 heterozygote.

NM_000843.4(GRM6):c.1653C>G (p.Asp551Glu)

Genes: GRM6 (glutamate metabotropic receptor 6; minus strand), ZNF454 (zinc finger protein 454; plus strand). Cytogenetic location: 5q35.3.
Variant type: single nucleotide variant.
Coding change: c.1653C>G on transcript NM_000843.4 (MANE Select); coding-DNA position 1653, C replaced by G.
Protein change: p.Asp551Glu; replaces aspartic acid 551 with glutamic acid.
Molecular consequence: missense variant.
Genome position (GRCh38, 1-based): chr5:178,986,601, G>C on the plus strand (C>G on the coding strand, the complement: GRM6 is on the minus strand). VCF-style: chr5-178986601-G-C. GRCh37 (hg19) VCF-style: chr5-178413602-G-C.
Other names: c.1653C>G (NM_000843.3); short protein forms D551E.
Identifiers: ClinVar variation 287571 (VCV000287571.12), dbSNP rs138188422, ClinGen allele CA3593965.